The following is an entry in ClinVar:

ClinVar aggregate classification (germline): Uncertain significance (1 of 4 stars; one submission).

Conditions:
AFF4-related disorder. Also called: AFF4-related condition.

gnomAD v4.1: 6 of 1,613,898 alleles (0.00037%); highest among the groups gnomAD compares: Middle Eastern, 0.017%; no homozygotes.

Submission:

PreventionGenetics, part of Exact Sciences
Classification: Uncertain significance for AFF4-related condition. Last evaluated: 2025-09-04. Review status: criteria provided, single submitter. Criteria: ACMG Guidelines, 2015. Collection method: clinical testing. Allele origin: germline.
Comment: The AFF4 c.2990G>A variant is predicted to result in the amino acid substitution p.Arg997Gln. To our knowledge, this variant has not been reported in the literature. This variant is reported in 0.00088% of alleles in individuals of European (Non-Finnish) descent in gnomAD. At this time, the clinical significance of this variant is uncertain due to the absence of conclusive functional and genetic evidence.

NM_014423.4(AFF4):c.2990G>A (p.Arg997Gln)

Gene: AFF4 (ALF transcription elongation factor 4; minus strand). Cytogenetic location: 5q31.1.
Variant type: single nucleotide variant.
Coding change: c.2990G>A on transcript NM_014423.4 (MANE Select); coding-DNA position 2990, G replaced by A.
Protein change: p.Arg997Gln; replaces arginine 997 with glutamine.
Molecular consequence: missense variant.
Genome position (GRCh38, 1-based): chr5:132,887,536, C>T on the plus strand (G>A on the coding strand, the complement: AFF4 is on the minus strand). VCF-style: chr5-132887536-C-T. GRCh37 (hg19) VCF-style: chr5-132223228-C-T.
Other names: short protein forms R997Q.
Identifiers: ClinVar variation 4997878 (VCV004997878.1).